The following is an entry in ClinVar:

NM_024529.5(CDC73):c.1552T>A (p.Leu518Met)

Gene: CDC73 (cell division cycle 73; plus strand). Cytogenetic location: 1q31.2.
Variant type: single nucleotide variant.
Coding change: c.1552T>A on transcript NM_024529.5 (MANE Select); coding-DNA position 1552, T replaced by A.
Protein change: p.Leu518Met; replaces leucine 518 with methionine.
Molecular consequence: missense variant.
Genome position (GRCh38, 1-based): chr1:193,249,864, T>A. VCF-style: chr1-193249864-T-A. GRCh37 (hg19) VCF-style: chr1-193218994-T-A.
Other names: short protein forms L518M.
Identifiers: ClinVar variation 4223474 (VCV004223474.2).

ClinVar aggregate classification (germline): Conflicting classifications of pathogenicity. Review status: criteria provided, conflicting classifications (1 of 4 stars). 2 submissions from 2 submitters: Uncertain significance (1); Likely benign (1). Last evaluated 2025-09-20.

Conditions:
Parathyroid carcinoma (PRTC). Also called: Parathyroid gland carcinoma; CDC73-Related Parathyroid Carcinoma. Identifiers: Orphanet 143, MedGen C0687150, MONDO:0012004, OMIM 608266, HP:0006780.
Hereditary cancer-predisposing syndrome. Also called: Hereditary Cancer Syndrome; Hereditary neoplastic syndrome; Neoplastic Syndromes, Hereditary; Tumor predisposition. Identifiers: Orphanet 140162, MedGen C0027672, MeSH D009386, MONDO:0015356.

gnomAD v4.1: 20 of 1,612,446 alleles (0.0012%); highest among the groups gnomAD compares: South Asian, 0.022%; no homozygotes.

Submissions (2):

Labcorp Genetics (formerly Invitae), Labcorp
Classification: Uncertain significance for Parathyroid carcinoma. Last evaluated: 2025-09-20. Review status: criteria provided, single submitter. Criteria: Invitae Variant Classification Sherloc (09022015). Collection method: clinical testing. Allele origin: germline.
Comment: This sequence change replaces leucine, which is neutral and non-polar, with methionine, which is neutral and non-polar, at codon 518 of the CDC73 protein (p.Leu518Met). This variant is present in population databases (rs758050507, gnomAD 0.02%). This variant has not been reported in the literature in individuals affected with CDC73-related conditions. Invitae Evidence Modeling of protein sequence and biophysical properties (such as structural, functional, and spatial information, amino acid conservation, physicochemical variation, residue mobility, and thermodynamic stability) indicates that this missense variant is not expected to disrupt CDC73 protein function with a negative predictive value of 80%. In summary, the available evidence is currently insufficient to determine the role of this variant in disease. Therefore, it has been classified as a Variant of Uncertain Significance.

Ambry Genetics
Classification: Likely benign for Hereditary cancer-predisposing syndrome. Last evaluated: 2025-07-03. Review status: criteria provided, single submitter. Criteria: Ambry Variant Classification Scheme 2023. Collection method: clinical testing. Allele origin: germline.